The following is an entry in ClinVar:

ClinVar aggregate classification (germline): Uncertain significance (1 of 4 stars; one submission).

Allele frequency attached by ClinVar (database versions not stated): TOPMed 0.00002; ExAC 0.00003; gnomAD 0.00003.
gnomAD v4.1: 20 of 1,612,792 alleles (0.0012%); highest among the groups gnomAD compares: Middle Eastern, 0.016%; no homozygotes.

Submission:

Labcorp Genetics (formerly Invitae), Labcorp
Classification: Uncertain significance. Last evaluated: 2023-12-11. Review status: criteria provided, single submitter. Criteria: Invitae Variant Classification Sherloc (09022015). Collection method: clinical testing. Allele origin: germline.
Comment: This sequence change replaces arginine, which is basic and polar, with histidine, which is basic and polar, at codon 323 of the ADGRE2 protein (p.Arg323His). This variant is present in population databases (rs780886482, gnomAD 0.007%). This variant has not been reported in the literature in individuals affected with ADGRE2-related conditions. ClinVar contains an entry for this variant (Variation ID: 1900432). Algorithms developed to predict the effect of missense changes on protein structure and function output the following: SIFT: "Not Available"; PolyPhen-2: "Benign"; Align-GVGD: "Not Available". The histidine amino acid residue is found in multiple mammalian species, which suggests that this missense change does not adversely affect protein function. In summary, the available evidence is currently insufficient to determine the role of this variant in disease. Therefore, it has been classified as a Variant of Uncertain Significance.

NM_013447.4(ADGRE2):c.968G>A (p.Arg323His)

Gene: ADGRE2 (adhesion G protein-coupled receptor E2; minus strand). Cytogenetic location: 19p13.12.
Variant type: single nucleotide variant.
Coding change: c.968G>A on transcript NM_013447.4 (MANE Select); coding-DNA position 968, G replaced by A.
Protein change: p.Arg323His; replaces arginine 323 with histidine.
Molecular consequence: missense variant.
Genome position (GRCh38, 1-based): chr19:14,764,549, C>T on the plus strand (G>A on the coding strand, the complement: ADGRE2 is on the minus strand). VCF-style: chr19-14764549-C-T. GRCh37 (hg19) VCF-style: chr19-14875361-C-T.
Other names: c.968G>A, p.Arg323His (NM_001271052.1); c.821G>A, p.Arg274His (NM_152916.2); c.689G>A, p.Arg230His (NM_152917.2); short protein forms R274H, R230H, R323H.
Identifiers: ClinVar variation 1900432 (VCV001900432.5), dbSNP rs780886482, ClinGen allele CA9257832.